The following is an entry in ClinVar:

ClinVar aggregate classification (germline): Uncertain significance. Review status: criteria provided, multiple submitters, no conflicts (2 of 4 stars). 2 submissions from 2 submitters: Uncertain significance (2). Last evaluated 2023-12-14.

Conditions:
Dyskeratosis congenita, autosomal dominant 2. Identifiers: MedGen C3151443, MONDO:0013521, OMIM 613989.
Idiopathic Pulmonary Fibrosis. Also called: Idiopathic fibrosing alveolitis, chronic form; idiopathic fibrosing alveolitis. Identifiers: Orphanet 2032, MedGen C1800706, MeSH D054990, MONDO:0800504.
Dyskeratosis congenita. Identifiers: Orphanet 1775, MedGen C0265965, MONDO:0015780.

Allele frequency attached by ClinVar (database versions not stated): gnomAD exomes below 0.00001.

Submissions (2):

Ambry Genetics
Classification: Uncertain significance for Dyskeratosis congenita. Last evaluated: 2023-12-14. Review status: criteria provided, single submitter. Criteria: Ambry Variant Classification Scheme 2023. Collection method: clinical testing. Allele origin: germline.
Comment: The p.W1026G variant (also known as c.3076T>G), located in coding exon 14 of the TERT gene, results from a T to G substitution at nucleotide position 3076. The tryptophan at codon 1026 is replaced by glycine, an amino acid with highly dissimilar properties. This amino acid position is conserved. In addition, this alteration is predicted to be tolerated by in silico analysis. Since supporting evidence is limited at this time, the clinical significance of this alteration remains unclear.

Labcorp Genetics (formerly Invitae), Labcorp
Classification: Uncertain significance for Dyskeratosis congenita, autosomal dominant 2; Idiopathic Pulmonary Fibrosis. Last evaluated: 2021-07-22. Review status: criteria provided, single submitter. Criteria: Invitae Variant Classification Sherloc (09022015). Collection method: clinical testing. Allele origin: germline.
Comment: In summary, the available evidence is currently insufficient to determine the role of this variant in disease. Therefore, it has been classified as a Variant of Uncertain Significance. Advanced modeling of protein sequence and biophysical properties (such as structural, functional, and spatial information, amino acid conservation, physicochemical variation, residue mobility, and thermodynamic stability) performed at Invitae indicates that this missense variant is not expected to disrupt TERT protein function. This variant has not been reported in the literature in individuals affected with TERT-related conditions. This variant is not present in population databases (ExAC no frequency). This sequence change replaces tryptophan with glycine at codon 1026 of the TERT protein (p.Trp1026Gly). The tryptophan residue is weakly conserved and there is a large physicochemical difference between tryptophan and glycine.

NM_198253.3(TERT):c.3076T>G (p.Trp1026Gly)

Gene: TERT (telomerase reverse transcriptase; minus strand). Cytogenetic location: 5p15.33.
Variant type: single nucleotide variant.
Coding change: c.3076T>G on transcript NM_198253.3 (MANE Select); coding-DNA position 3076, T replaced by G.
Protein change: p.Trp1026Gly; replaces tryptophan 1026 with glycine.
Molecular consequence: missense variant. On other transcripts: non-coding transcript variant (2).
Genome position (GRCh38, 1-based): chr5:1,255,368, A>C on the plus strand (T>G on the coding strand, the complement: TERT is on the minus strand). VCF-style: chr5-1255368-A-C. GRCh37 (hg19) VCF-style: chr5-1255483-A-C.
Other names: c.3076T>G (NM_198253.2); c.2887T>G, p.Trp963Gly (NM_001193376.3); short protein forms W1026G, W963G.
Identifiers: ClinVar variation 1482279 (VCV001482279.9), dbSNP rs1747645893, ClinGen allele CA359068265.